The following is an entry in ClinVar:

NM_000264.5(PTCH1):c.1981A>C (p.Thr661Pro)

Genes: PTCH1 (patched 1; minus strand), LOC100507346 (uncharacterized LOC100507346; plus strand). Cytogenetic location: 9q22.32.
Variant type: single nucleotide variant.
Coding change: c.1981A>C on transcript NM_000264.5 (MANE Select); coding-DNA position 1981, A replaced by C.
Protein change: p.Thr661Pro; replaces threonine 661 with proline.
Molecular consequence: missense variant. On other transcripts: non-coding transcript variant (2).
Genome position (GRCh38, 1-based): chr9:95,469,020, T>G on the plus strand (A>C on the coding strand, the complement: PTCH1 is on the minus strand). VCF-style: chr9-95469020-T-G. GRCh37 (hg19) VCF-style: chr9-98231302-T-G.
Other names: c.1783A>C, p.Thr595Pro (NM_001083602.3); c.1978A>C, p.Thr660Pro (NM_001083603.3); c.1528A>C, p.Thr510Pro (NM_001083604.3, NM_001083605.3, NM_001083606.3 and 1 more transcripts); c.1825A>C, p.Thr609Pro (NM_001354918.2); short protein forms T510P, T595P, T609P, T661P, T660P.
Identifiers: ClinVar variation 2814774 (VCV002814774.3), dbSNP rs753850577, ClinGen allele CA374115906.
Genomic context (GRCh38, chr9:95,469,020, plus strand): 5'-GCTCAGCGGTGGTGTAGTACACGTGCGTGTGGGGGTCGTACTCCGTGCGGAGCTGGACAG[T>G]GGACTGCATGGTAATCTGCGTTTCATGGGCAAAGCTGTGGCTGCTGTAGGGAGGTGGGGG-3'
Protein context (NP_000255.2, residues 651-671): AHETQITMQS[Thr661Pro]VQLRTEYDPH

ClinVar aggregate classification (germline): Uncertain significance (1 of 4 stars; one submission).

Conditions:
Gorlin syndrome. Also called: Nevoid Basal Cell Carcinoma Syndrome; Basal cell nevus syndrome. Identifiers: Orphanet 377, MedGen C0004779, MONDO:0007187.

Submission:

Labcorp Genetics (formerly Invitae), Labcorp
Classification: Uncertain significance for Gorlin syndrome. Last evaluated: 2022-11-16. Review status: criteria provided, single submitter. Criteria: Invitae Variant Classification Sherloc (09022015). Collection method: clinical testing. Allele origin: germline.
Comment: In summary, the available evidence is currently insufficient to determine the role of this variant in disease. Therefore, it has been classified as a Variant of Uncertain Significance. Advanced modeling of protein sequence and biophysical properties (such as structural, functional, and spatial information, amino acid conservation, physicochemical variation, residue mobility, and thermodynamic stability) performed at Invitae indicates that this missense variant is not expected to disrupt PTCH1 protein function. This variant has not been reported in the literature in individuals affected with PTCH1-related conditions. This variant is not present in population databases (gnomAD no frequency). This sequence change replaces threonine, which is neutral and polar, with proline, which is neutral and non-polar, at codon 661 of the PTCH1 protein (p.Thr661Pro).